The following is an entry in ClinVar:

ClinVar aggregate classification (germline): Uncertain significance. Review status: criteria provided, multiple submitters, no conflicts (2 of 4 stars). 4 submissions from 4 submitters: Uncertain significance (4). Last evaluated 2026-03-05.

Conditions:
Inborn genetic diseases. Identifiers: MedGen C0950123, MeSH D030342.
Mitochondrial DNA depletion syndrome 13. Also called: FBXL4-Related Encephalomyopathic Mitochondrial DNA Depletion Syndrome; Mitochondrial DNA depletion syndrome 13 (encephalomyopathic type). Identifiers: Orphanet 369897, MedGen C3809592, MONDO:0014198, OMIM 615471.

Allele frequency attached by ClinVar (database versions not stated): TOPMed 0.00003; ExAC 0.00006; 1000 Genomes Project 30x 0.00016; 1000 Genomes Project 0.00020; gnomAD exomes 0.00002 and 0.00004; gnomAD 0.00003.

Submissions (4):

GeneDx
Classification: Uncertain significance. Last evaluated: 2026-03-05. Review status: criteria provided, single submitter. Criteria: GeneDx Variant Classification Process June 2021. Collection method: clinical testing. Allele origin: germline.
Comment: Not observed at significant frequency in large population cohorts (gnomAD); In silico analysis suggests that this missense variant does not alter protein structure/function; Has not been previously published as pathogenic or benign to our knowledge

Labcorp Genetics (formerly Invitae), Labcorp
Classification: Uncertain significance. Last evaluated: 2024-12-09. Review status: criteria provided, single submitter. Criteria: Invitae Variant Classification Sherloc (09022015). Collection method: clinical testing. Allele origin: germline.
Comment: This sequence change replaces proline, which is neutral and non-polar, with leucine, which is neutral and non-polar, at codon 3 of the FBXL4 protein (p.Pro3Leu). This variant is present in population databases (rs561491659, gnomAD 0.02%). This variant has not been reported in the literature in individuals affected with FBXL4-related conditions. ClinVar contains an entry for this variant (Variation ID: 437509). Invitae Evidence Modeling of protein sequence and biophysical properties (such as structural, functional, and spatial information, amino acid conservation, physicochemical variation, residue mobility, and thermodynamic stability) has been performed for this missense variant. However, the output from this modeling did not meet the statistical confidence thresholds required to predict the impact of this variant on FBXL4 protein function. In summary, the available evidence is currently insufficient to determine the role of this variant in disease. Therefore, it has been classified as a Variant of Uncertain Significance.

Ambry Genetics
Classification: Uncertain significance for Inborn genetic diseases. Last evaluated: 2023-06-26. Review status: criteria provided, single submitter. Criteria: Ambry Variant Classification Scheme 2023. Collection method: clinical testing. Allele origin: germline.

Wong Mito Lab, Molecular and Human Genetics, Baylor College of Medicine
Classification: Uncertain significance for Mitochondrial DNA depletion syndrome 13. Last evaluated: 2017-08-10. Review status: criteria provided, single submitter. Criteria: ACMG Guidelines, 2015. Collection method: reference population. Allele origin: germline.
Comment: The NM_012160.4:c.8C>T (NP_036292.2:p.Pro3Leu) [GRCH38: NC_000006.12:g.98926981G>A] variant in FBXL4 gene is interpretated to be a Uncertain Significance - Insufficient Evidence based on ACMG guidelines (PMID: 25741868). This variant meets one or more of the following evidence codes reported in the ACMG-guideline. PM2:This variant is absent in key population databases. Based on this evidence code ClinGen Pathogenicity Calculator (PMID:28081714) suggested that the variant is Uncertain Significance - Insufficient Evidence.

NM_001278716.2(FBXL4):c.8C>T (p.Pro3Leu)

Gene: FBXL4 (F-box and leucine rich repeat protein 4; minus strand). Cytogenetic location: 6q16.2.
Variant type: single nucleotide variant.
Coding change: c.8C>T on transcript NM_001278716.2 (MANE Select); coding-DNA position 8, C replaced by T.
Protein change: p.Pro3Leu; replaces proline 3 with leucine.
Molecular consequence: missense variant. On other transcripts: non-coding transcript variant (2).
Genome position (GRCh38, 1-based): chr6:98,926,981, G>A on the plus strand (C>T on the coding strand, the complement: FBXL4 is on the minus strand). VCF-style: chr6-98926981-G-A. GRCh37 (hg19) VCF-style: chr6-99374857-G-A.
Other names: c.8C>T, p.Pro3Leu (NM_012160.5); c.8C>T (NM_012160.3); short protein forms P3L.
Identifiers: ClinVar variation 437509 (VCV000437509.7), dbSNP rs561491659, ClinGen allele CA3933769.